The following is an entry in ClinVar:

ClinVar aggregate classification (germline): Likely pathogenic (1 of 4 stars; one submission).

Conditions:
Short-rib thoracic dysplasia 6 with or without polydactyly (SRTD6). Also called: POLYDACTYLY WITH NEONATAL CHONDRODYSTROPHY, TYPE II; Majewski Syndrome; SHORT-RIB THORACIC DYSPLASIA 6 WITH POLYDACTYLY; SHORT-RIB THORACIC DYSPLASIA 6 WITHOUT POLYDACTYLY; SHORT RIB-POLYDACTYLY SYNDROME, TYPE IIA. Identifiers: MedGen C0024507, MONDO:0009894, OMIM 263520.

Allele frequency attached by ClinVar (database versions not stated): gnomAD exomes below 0.00001.
gnomAD v4.1: 1 of 1,584,386 alleles (0.000063%); highest among the groups gnomAD compares: Non-Finnish European, 0.000086%; no homozygotes.

Submission:

Labcorp Genetics (formerly Invitae), Labcorp
Classification: Likely pathogenic for Short-rib thoracic dysplasia 6 with or without polydactyly. Last evaluated: 2023-07-31. Review status: criteria provided, single submitter. Criteria: Invitae Variant Classification Sherloc (09022015). Collection method: clinical testing. Allele origin: germline.
Comment: In summary, the currently available evidence indicates that the variant is pathogenic, but additional data are needed to prove that conclusively. Therefore, this variant has been classified as Likely Pathogenic. Algorithms developed to predict the effect of sequence changes on RNA splicing suggest that this variant may disrupt the consensus splice site. This variant has not been reported in the literature in individuals affected with NEK1-related conditions. The frequency data for this variant in the population databases is considered unreliable, as metrics indicate poor data quality at this position in the gnomAD database. This sequence change affects a donor splice site in intron 19 of the NEK1 gene. It is expected to disrupt RNA splicing. Variants that disrupt the donor or acceptor splice site typically lead to a loss of protein function (PMID: 16199547), and loss-of-function variants in NEK1 are known to be pathogenic (PMID: 22499340, 29068549).

Literature cited by the submitters: PubMed 16199547; PubMed 22499340; PubMed 29068549.

NM_001199397.3(NEK1):c.1833+1G>T

Gene: NEK1 (NIMA related kinase 1; minus strand). Cytogenetic location: 4q33.
Variant type: single nucleotide variant.
Coding change: c.1833+1G>T on transcript NM_001199397.3 (MANE Select); the canonical splice donor site of the intron after coding-DNA position 1833, G replaced by T.
Molecular consequence: splice donor variant.
Genome position (GRCh38, 1-based): chr4:169,508,247, C>A on the plus strand (G>T on the coding strand, the complement: NEK1 is on the minus strand). VCF-style: chr4-169508247-C-A. GRCh37 (hg19) VCF-style: chr4-170429398-C-A.
Other names: c.1623+1G>T (NM_001374421.1); c.1698+1G>T (NM_001374420.1); c.1542+1G>T (NM_001199399.3); c.1701+1G>T (NM_001199398.3); c.1749+1G>T (NM_001374419.1, NM_012224.4); c.1617+1G>T (NM_001199400.3); c.1833+1G>T (NM_001374418.1).
Identifiers: ClinVar variation 2748776 (VCV002748776.3), dbSNP rs1296322530, ClinGen allele CA358731632.